The following is an entry in ClinVar:

NM_004281.4(BAG3):c.509G>A (p.Arg170Gln)

Gene: BAG3 (BAG cochaperone 3; plus strand). Cytogenetic location: 10q26.11.
Variant type: single nucleotide variant.
Coding change: c.509G>A on transcript NM_004281.4 (MANE Select); coding-DNA position 509, G replaced by A.
Protein change: p.Arg170Gln; replaces arginine 170 with glutamine.
Molecular consequence: missense variant.
Genome position (GRCh38, 1-based): chr10:119,672,256, G>A. VCF-style: chr10-119672256-G-A. GRCh37 (hg19) VCF-style: chr10-121431768-G-A.
Other names: short protein forms R170Q.
Identifiers: ClinVar variation 429486 (VCV000429486.42), dbSNP rs140904592, ClinGen allele CA5716359.

ClinVar aggregate classification (germline): Conflicting classifications of pathogenicity. Review status: criteria provided, conflicting classifications (1 of 4 stars). 7 submissions from 7 submitters: Uncertain significance (6); Likely benign (1). Last evaluated 2026-01-27.

Conditions:
Cardiovascular phenotype. Identifiers: MedGen CN230736.
Dilated cardiomyopathy 1HH (CMD1HH). Identifiers: Orphanet 154, MedGen C3151293, MONDO:0013479, OMIM 613881.
Myofibrillar myopathy 6. Identifiers: Orphanet 199340, MedGen C2751831, MONDO:0013061, OMIM 612954.

Allele frequency attached by ClinVar (database versions not stated): TOPMed 0.00001; gnomAD 0.00003; ExAC 0.00005; gnomAD exomes 0.00006; ESP Exome Variant Server 0.00008.

Submissions (7):

Labcorp Genetics (formerly Invitae), Labcorp
Classification: Uncertain significance for Dilated cardiomyopathy 1HH; Myofibrillar myopathy 6. Last evaluated: 2026-01-27. Review status: criteria provided, single submitter. Criteria: Invitae Variant Classification Sherloc (09022015). Collection method: clinical testing. Allele origin: germline.
Comment: This sequence change replaces arginine, which is basic and polar, with glutamine, which is neutral and polar, at codon 170 of the BAG3 protein (p.Arg170Gln). This variant is present in population databases (rs140904592, gnomAD 0.02%). This variant has not been reported in the literature in individuals affected with BAG3-related conditions. ClinVar contains an entry for this variant (Variation ID: 429486). An algorithm developed to predict the effect of missense changes on protein structure and function (PolyPhen-2) suggests that this variant is likely to be tolerated. Algorithms developed to predict the effect of sequence changes on RNA splicing suggest that this variant may create or strengthen a splice site. In summary, the available evidence is currently insufficient to determine the role of this variant in disease. Therefore, it has been classified as a Variant of Uncertain Significance.

CeGaT Center for Human Genetics Tuebingen
Classification: Likely benign. Last evaluated: 2025-09-01. Review status: criteria provided, single submitter. Criteria: CeGaT Center For Human Genetics Tuebingen Variant Classification Criteria Version 2. Collection method: clinical testing. Allele origin: germline. Affected: yes. Observed: 4 variant alleles.
Comment: BAG3: PP3, BS2

ARUP Laboratories, Molecular Genetics and Genomics, ARUP Laboratories
Classification: Uncertain significance. Last evaluated: 2025-07-03. Review status: criteria provided, single submitter. Criteria: ARUP Molecular Germline Variant Investigation Process 2024. Collection method: clinical testing. Allele origin: germline.
Comment: The BAG3 c.509G>A; p.Arg170Gln variant (rs140904592), to our knowledge, is not reported in affected individuals in the medical literature but is reported in ClinVar (Variation ID: 429486). This variant is found in the general population with an overall allele frequency of 0.006% (17/278484 alleles) in the Genome Aggregation Database (v2.1.1). Some computational analyses are uncertain whether this variant is neutral or deleterious (REVEL: 0.257); however, other computational analyses (Alamut Visual Plus v.1.12) predict that this variant may impact splicing by creating a novel cryptic acceptor site and weakening the nearby canonical acceptor site. Given the lack of clinical and functional data, the significance of this variant is uncertain at this time.

Ambry Genetics
Classification: Uncertain significance for Cardiovascular phenotype. Last evaluated: 2023-12-27. Review status: criteria provided, single submitter. Criteria: Ambry Variant Classification Scheme 2023. Collection method: clinical testing. Allele origin: germline.
Comment: The p.R170Q variant (also known as c.509G>A), located in coding exon 3 of the BAG3 gene, results from a G to A substitution at nucleotide position 509. The arginine at codon 170 is replaced by glutamine, an amino acid with highly similar properties. This amino acid position is not well conserved in available vertebrate species. In addition, this alteration is predicted to be tolerated by in silico analysis. Since supporting evidence is limited at this time, the clinical significance of this alteration remains unclear.

Fulgent Genetics
Classification: Uncertain significance for Myofibrillar myopathy 6; Dilated cardiomyopathy 1HH. Last evaluated: 2021-10-06. Review status: criteria provided, single submitter. Criteria: ACMG Guidelines, 2015. Collection method: clinical testing. Allele origin: unknown.

Revvity Omics, Revvity
Classification: Uncertain significance. Last evaluated: 2021-09-28. Review status: criteria provided, single submitter. Criteria: ACMG Guidelines, 2015. Collection method: clinical testing. Allele origin: germline.

GeneDx
Classification: Uncertain significance. Last evaluated: 2017-05-03. Review status: criteria provided, single submitter. Criteria: GeneDx Variant Classification (06012015). Collection method: clinical testing. Allele origin: germline. Affected: yes.
Comment: A variant of uncertain significance has been identified in the BAG3 gene. The R170Q variant has not been published as pathogenic or been reported as benign to our knowledge. This variant is observed in 4/16,284 (0.02%) alleles from individuals of South Asian ancestry in the Exome Aggregation Consortium (ExAC) dataset (Lek et al., 2016; Exome Variant Server). This substitution occurs at a position that is only conserved in mammals and in silico analysis is inconsistent in its predictions as to whether or not the variant is damaging to the protein structure/function. Nevertheless, the R170Q variant is a semi-conservative amino acid substitution, which may impact secondary protein structure as these residues differ in some properties.